The following is an entry in ClinVar:

NM_017617.5(NOTCH1):c.4775T>G (p.Phe1592Cys)

Gene: NOTCH1 (notch receptor 1; minus strand). Cytogenetic location: 9q34.3.
Variant type: single nucleotide variant.
Coding change: c.4775T>G on transcript NM_017617.5 (MANE Select); coding-DNA position 4775, T replaced by G.
Protein change: p.Phe1592Cys; replaces phenylalanine 1592 with cysteine.
Molecular consequence: missense variant.
Genome position (GRCh38, 1-based): chr9:136,504,916, A>C on the plus strand (T>G on the coding strand, the complement: NOTCH1 is on the minus strand). VCF-style: chr9-136504916-A-C. GRCh37 (hg19) VCF-style: chr9-139399368-A-C.
Other names: c.4775T>G, p.Phe1592Cys (LRG_1122t1); short protein forms F1592C.
Identifiers: ClinVar variation 208337 (VCV000208337.2), dbSNP rs796065341, ClinGen allele CA204406.

ClinVar aggregate classification (germline): Pathogenic (0 of 4 stars; one submission).

Conditions:
Early T cell progenitor acute lymphoblastic leukemia. Also called: Early T Acute Lymphoblastic Leukemia. Identifiers: MedGen C4329780, MONDO:0100291.

Submission:

Center for Advanced Molecular Diagnostics, Cytogenetics Laboratory, Brigham and Women's Hospital
Classification: Pathogenic for Early T cell progenitor acute lymphoblastic leukemia. Review status: no assertion criteria provided. Collection method: clinical testing. Allele origin: somatic. Affected: yes. Observed: 1 variant allele. Study: ETP-ALL responsive to Notch pathway inhibitor.
Comment: Activating Notch1 mutation found in ETP-ALL and in T-ALL